The following is an entry in ClinVar:

NM_001378.3(DYNC1I2):c.1874G>A (p.Arg625Gln)

Gene: DYNC1I2 (dynein cytoplasmic 1 intermediate chain 2; plus strand). Cytogenetic location: 2q31.1.
Variant type: single nucleotide variant.
Coding change: c.1874G>A on transcript NM_001378.3 (MANE Select); coding-DNA position 1874, G replaced by A.
Protein change: p.Arg625Gln; replaces arginine 625 with glutamine.
Molecular consequence: missense variant.
Genome position (GRCh38, 1-based): chr2:171,747,846, G>A. VCF-style: chr2-171747846-G-A. GRCh37 (hg19) VCF-style: chr2-172604356-G-A.
Other names: c.1850G>A, p.Arg617Gln (NM_001271786.2, NM_001271787.2); c.1796G>A, p.Arg599Gln (NM_001271788.2, NM_001271789.2); c.1793G>A, p.Arg598Gln (NM_001271790.2, NM_001320884.2); c.1856G>A, p.Arg619Gln (NM_001320882.2, NM_001320883.2); c.1853G>A, p.Arg618Gln (NM_001378455.1, NM_001378456.1); c.1874G>A, p.Arg625Gln (NM_001271785.2); c.1874G>A (NM_001378.2); short protein forms R598Q, R618Q, R599Q, R619Q, R625Q, R617Q.
Identifiers: ClinVar variation 2206712 (VCV002206712.3), dbSNP rs201120526, ClinGen allele CA1965958.
Genomic context (GRCh38, chr2:171,747,846, plus strand): 5'-TTCCCCGCAATGATGAATGGGCACGGTTTGGCCGAACACTTGCAGAAATTAATGCAAACC[G>A]AGCTGATGCAGAGGAGGAAGCAGCTACCCGAATACCTGCTTAGTTCCTGAAAAGGGGAGT-3'
Protein context (NP_001369.1, residues 615-635): GRTLAEINAN[Arg625Gln]ADAEEEAATR

ClinVar aggregate classification (germline): Uncertain significance. Review status: criteria provided, multiple submitters, no conflicts (2 of 4 stars). 2 submissions from 2 submitters: Uncertain significance (2). Last evaluated 2026-04-02.

Allele frequency attached by ClinVar (database versions not stated): gnomAD 0.00011; TOPMed 0.00018; ExAC 0.00005; gnomAD exomes 0.00005.
gnomAD v4.1: 90 of 1,611,148 alleles (0.0056%); highest among the groups gnomAD compares: African/African-American, 0.028%; no homozygotes.

Submissions (2):

GeneDx
Classification: Uncertain significance. Last evaluated: 2026-04-02. Review status: criteria provided, single submitter. Criteria: GeneDx Variant Classification Process June 2021. Collection method: clinical testing. Allele origin: germline.
Comment: In silico analysis suggests that this missense variant does not alter protein structure/function; Has not been previously published as pathogenic or benign to our knowledge

Ambry Genetics
Classification: Uncertain significance. Last evaluated: 2024-03-20. Review status: criteria provided, single submitter. Criteria: Ambry Variant Classification Scheme 2023. Collection method: clinical testing. Allele origin: germline.